The following is an entry in ClinVar:

ClinVar aggregate classification (germline): Benign/Likely benign. Review status: criteria provided, multiple submitters, no conflicts (2 of 4 stars). 2 submissions from 2 submitters: Benign (1); Likely benign (1). Last evaluated 2025-05-21.

Conditions:
Tuberous sclerosis 2 (TSC2). Identifiers: Orphanet 805, MedGen C1860707, MONDO:0013199, OMIM 613254.

Submissions (2):

Myriad Genetics, Inc.
Classification: Benign for Tuberous sclerosis 2. Last evaluated: 2025-05-21. Review status: criteria provided, single submitter. Criteria: Myriad Autosomal Dominant, Autosomal Recessive and X-Linked Classification Criteria (2023). Collection method: clinical testing. Allele origin: unknown.
Comment: This variant is considered benign. This variant is a silent/synonymous amino acid change and it is not expected to impact splicing.

Labcorp Genetics (formerly Invitae), Labcorp
Classification: Likely benign for Tuberous sclerosis 2. Last evaluated: 2023-07-17. Review status: criteria provided, single submitter. Criteria: Invitae Variant Classification Sherloc (09022015). Collection method: clinical testing. Allele origin: germline.

NM_000548.5(TSC2):c.2727C>G (p.Val909=)

Gene: TSC2 (TSC complex subunit 2; plus strand). Cytogenetic location: 16p13.3.
Variant type: single nucleotide variant.
Coding change: c.2727C>G on transcript NM_000548.5 (MANE Select); coding-DNA position 2727, C replaced by G.
Protein change: p.Val909=; no amino-acid change (valine 909 retained).
Molecular consequence: synonymous variant.
Genome position (GRCh38, 1-based): chr16:2,076,155, C>G. VCF-style: chr16-2076155-C-G. GRCh37 (hg19) VCF-style: chr16-2126156-C-G.
Other names: c.2727C>G, p.Val909= (NM_001077183.3, NM_001114382.3, NM_001363528.2 and 3 more transcripts); c.2616C>G, p.Val872= (NM_001318827.2); c.2580C>G, p.Val860= (NM_001318829.2); c.2127C>G, p.Val709= (NM_001318831.2); c.2760C>G, p.Val920= (NM_001318832.2).
Identifiers: ClinVar variation 1156769 (VCV001156769.10), dbSNP rs2151388902, ClinGen allele CA492953681.